The following is an entry in ClinVar:

NM_004281.4(BAG3):c.666G>T (p.Gln222His)

Gene: BAG3 (BAG cochaperone 3; plus strand). Cytogenetic location: 10q26.11.
Variant type: single nucleotide variant.
Coding change: c.666G>T on transcript NM_004281.4 (MANE Select); coding-DNA position 666, G replaced by T.
Protein change: p.Gln222His; replaces glutamine 222 with histidine.
Molecular consequence: missense variant.
Genome position (GRCh38, 1-based): chr10:119,672,413, G>T. VCF-style: chr10-119672413-G-T. GRCh37 (hg19) VCF-style: chr10-121431925-G-T.
Other names: short protein forms Q222H.
Identifiers: ClinVar variation 2949670 (VCV002949670.4), dbSNP rs1483153986, ClinGen allele CA378295544.

ClinVar aggregate classification (germline): Uncertain significance. Review status: criteria provided, multiple submitters, no conflicts (2 of 4 stars). 2 submissions from 2 submitters: Uncertain significance (2). Last evaluated 2026-07-07.

Conditions:
Cardiovascular phenotype. Identifiers: MedGen CN230736.
Myofibrillar myopathy 6. Identifiers: Orphanet 199340, MedGen C2751831, MONDO:0013061, OMIM 612954.
Dilated cardiomyopathy 1HH (CMD1HH). Identifiers: Orphanet 154, MedGen C3151293, MONDO:0013479, OMIM 613881.

Allele frequency attached by ClinVar (database versions not stated): gnomAD exomes below 0.00001; TOPMed below 0.00001; gnomAD 0.00001.
gnomAD v4.1: 2 of 1,614,052 alleles (0.00012%); highest among the groups gnomAD compares: African/African-American, 0.0027%; no homozygotes.

Submissions (2):

Ambry Genetics
Classification: Uncertain significance for Cardiovascular phenotype. Last evaluated: 2026-07-07. Review status: criteria provided, single submitter. Criteria: Ambry Variant Classification Scheme 2023. Collection method: clinical testing. Allele origin: germline.
Comment: The p.Q222H variant (also known as c.666G>T), located in coding exon 3 of the BAG3 gene, results from a G to T substitution at nucleotide position 666. The glutamine at codon 222 is replaced by histidine, an amino acid with highly similar properties. This amino acid position is conserved. In addition, this alteration is predicted to be deleterious by in silico analysis. Based on the available evidence, the clinical significance of this variant remains unclear.

Labcorp Genetics (formerly Invitae), Labcorp
Classification: Uncertain significance for Dilated cardiomyopathy 1HH; Myofibrillar myopathy 6. Last evaluated: 2023-10-27. Review status: criteria provided, single submitter. Criteria: Invitae Variant Classification Sherloc (09022015). Collection method: clinical testing. Allele origin: germline.
Comment: This sequence change replaces glutamine, which is neutral and polar, with histidine, which is basic and polar, at codon 222 of the BAG3 protein (p.Gln222His). This variant is present in population databases (no rsID available, gnomAD 0.01%). This variant has not been reported in the literature in individuals affected with BAG3-related conditions. Advanced modeling of protein sequence and biophysical properties (such as structural, functional, and spatial information, amino acid conservation, physicochemical variation, residue mobility, and thermodynamic stability) performed at Invitae indicates that this missense variant is not expected to disrupt BAG3 protein function with a negative predictive value of 80%. In summary, the available evidence is currently insufficient to determine the role of this variant in disease. Therefore, it has been classified as a Variant of Uncertain Significance.